The following is an entry in ClinVar:

ClinVar aggregate classification (germline): Pathogenic (1 of 4 stars; one submission).

Conditions:
Hereditary factor XI deficiency disease. Also called: PLASMA THROMBOPLASTIN ANTECEDENT DEFICIENCY; PTA DEFICIENCY; ROSENTHAL SYNDROME; Congenital factor XI deficiency. Identifiers: Orphanet 329, MedGen C0015523, MeSH D005173, MONDO:0012897, OMIM 612416.

Submission:

Myriad Genetics, Inc.
Classification: Pathogenic for Hereditary factor XI deficiency disease. Last evaluated: 2024-05-14. Review status: criteria provided, single submitter. Criteria: Myriad Autosomal Dominant, Autosomal Recessive and X-Linked Classification Criteria (2023). Collection method: clinical testing. Allele origin: unknown.
Comment: NM_000128.3(F11):c.773_774del2ins13(K258Tfs*95) is expected to be pathogenic in the context of factor XI deficiency. This variant is predicted to lead to an abnormal or absent protein product due to the creation of a premature termination codon in F11, a gene where loss-of-function variants are known to be pathogenic. Please note: this variant was assessed in the context of healthy population screening.

NM_000128.4(F11):c.773_774delinsCTGTCTCTTATAC (p.Lys258fs)

Gene: F11 (coagulation factor XI; plus strand). Cytogenetic location: 4q35.2.
Variant type: Indel.
Coding change: c.773_774delinsCTGTCTCTTATAC on transcript NM_000128.4 (MANE Select); coding-DNA positions 773 to 774, AA replaced by CTGTCTCTTATAC.
Protein change: p.Lys258fs; shifts the reading frame from lysine 258.
Molecular consequence: frameshift variant.
Genome position (GRCh38, 1-based): chr4:186,280,029-186,280,030, AA replaced by CTGTCTCTTATAC. VCF-style: chr4-186280029-AA-CTGTCTCTTATAC. GRCh37 (hg19) VCF-style: chr4-187201183-AA-CTGTCTCTTATAC.
Other names: c.773_774delinsCTGTCTCTTATAC, p.Lys258fs (NM_001440590.1, NM_001440593.1, NM_001440596.1); c.503_504delinsCTGTCTCTTATAC, p.Lys168fs (NM_001440605.1, NM_001440606.1, NM_001440607.1 and 1 more transcripts); short protein forms K168fs, K258fs.
Identifiers: ClinVar variation 5010986 (VCV005010986.1).